The following is an entry in ClinVar:

NM_015271.5(TRIM2):c.404_405delinsTG (p.Thr135Met)

Gene: TRIM2 (tripartite motif containing 2; plus strand). Cytogenetic location: 4q31.3.
Variant type: Indel.
Coding change: c.404_405delinsTG on transcript NM_015271.5 (MANE Select); coding-DNA positions 404 to 405, CT replaced by TG.
Protein change: p.Thr135Met; replaces threonine 135 with methionine.
Molecular consequence: missense variant. On other transcripts: 5 prime UTR variant (1).
Genome position (GRCh38, 1-based): chr4:153,276,081-153,276,082, CT replaced by TG. VCF-style: chr4-153276081-CT-TG. GRCh37 (hg19) VCF-style: chr4-154197233-CT-TG.
Other names: c.323_324delinsTG, p.Thr108Met (NM_001130067.2, NM_001351056.2, NM_001375512.1 and 5 more transcripts); c.404_405delinsTG, p.Thr135Met (NM_001302692.2, NM_001375488.1, NM_001375490.1 and 1 more transcripts); c.401_402delinsTG, p.Thr134Met (NM_001302693.2, NM_001375489.1, NM_001375491.1 and 1 more transcripts); c.377_378delinsTG, p.Thr126Met (NM_001302694.2, NM_001351054.2); c.374_375delinsTG, p.Thr125Met (NM_001351055.2); c.-154_-153delinsTG (NM_001351057.2); c.65_66delinsTG, p.Thr22Met (NM_001375522.1, NM_001375523.1, NM_001375525.1); short protein forms T126M, T134M, T108M, T22M, T125M, T135M.
Identifiers: ClinVar variation 2839813 (VCV002839813.3), dbSNP rs2546414700, ClinGen allele CA2739270323.
Genomic context (GRCh38, chr4:153,276,081, plus strand): 5'-ACGTGCTGCAGCGAACTCCAGGCAGCAACGCTGAGGAGTCTTCCATCCTGGAGACAGTCA[CT>TG]GCTGTGGCTGCGGGAAAGCCTCTCTCTTGCCCAAACCACGATGGGAATGTAAGTGGCTGG-3'
Protein context (NP_056086.2, residues 125-145): AEESSILETV[Thr135Met]AVAAGKPLSC

ClinVar aggregate classification (germline): Uncertain significance (1 of 4 stars; one submission).

Conditions:
Charcot-Marie-Tooth disease type 2R. Also called: Charcot-Marie-Tooth disease, axonal, type 2R; CHARCOT-MARIE-TOOTH NEUROPATHY, TYPE 2R; CHARCOT-MARIE-TOOTH DISEASE, AXONAL, AUTOSOMAL RECESSIVE, TYPE 2R. Identifiers: Orphanet 397968, MedGen C3809655, MONDO:0014208, OMIM 615490.

Submission:

Labcorp Genetics (formerly Invitae), Labcorp
Classification: Uncertain significance for Charcot-Marie-Tooth disease type 2R. Last evaluated: 2023-02-25. Review status: criteria provided, single submitter. Criteria: Invitae Variant Classification Sherloc (09022015). Collection method: clinical testing. Allele origin: germline.
Comment: Information on the frequency of this variant in the gnomAD database is not available, as this variant may be reported differently in the database. This sequence change replaces threonine, which is neutral and polar, with methionine, which is neutral and non-polar, at codon 108 of the TRIM2 protein (p.Thr108Met). This variant has not been reported in the literature in individuals affected with TRIM2-related conditions. An algorithm developed to predict the effect of missense changes on protein structure and function (PolyPhen-2) suggests that this variant is likely to be tolerated. In summary, the available evidence is currently insufficient to determine the role of this variant in disease. Therefore, it has been classified as a Variant of Uncertain Significance.